The following is an entry in ClinVar:

ClinVar aggregate classification (germline): Uncertain significance (1 of 4 stars; one submission).

gnomAD v4.1: 1 of 1,602,570 alleles (0.000062%); highest among the groups gnomAD compares: Non-Finnish European, 0.000085%; no homozygotes.

Submission:

Labcorp Genetics (formerly Invitae), Labcorp
Classification: Uncertain significance. Last evaluated: 2025-06-19. Review status: criteria provided, single submitter. Criteria: Invitae Variant Classification Sherloc (09022015). Collection method: clinical testing. Allele origin: germline.
Comment: This sequence change replaces glutamine, which is neutral and polar, with glutamic acid, which is acidic and polar, at codon 1464 of the OBSL1 protein (p.Gln1464Glu). This variant is not present in population databases (gnomAD no frequency). This variant has not been reported in the literature in individuals affected with OBSL1-related conditions. An algorithm developed to predict the effect of missense changes on protein structure and function (PolyPhen-2) suggests that this variant is likely to be disruptive. In summary, the available evidence is currently insufficient to determine the role of this variant in disease. Therefore, it has been classified as a Variant of Uncertain Significance.

NM_015311.3(OBSL1):c.4390C>G (p.Gln1464Glu)

Gene: OBSL1 (obscurin like cytoskeletal adaptor 1; minus strand). Cytogenetic location: 2q35.
Variant type: single nucleotide variant.
Coding change: c.4390C>G on transcript NM_015311.3 (MANE Select); coding-DNA position 4390, C replaced by G.
Protein change: p.Gln1464Glu; replaces glutamine 1464 with glutamic acid.
Molecular consequence: missense variant.
Genome position (GRCh38, 1-based): chr2:219,556,239, G>C on the plus strand (C>G on the coding strand, the complement: OBSL1 is on the minus strand). VCF-style: chr2-219556239-G-C. GRCh37 (hg19) VCF-style: chr2-220420961-G-C.
Other names: c.4390C>G, p.Gln1464Glu (NM_001173431.2); short protein forms Q1464E.
Identifiers: ClinVar variation 4768081 (VCV004768081.1).